The following is an entry in ClinVar:

ClinVar aggregate classification (germline): Uncertain significance. Review status: criteria provided, multiple submitters, no conflicts (2 of 4 stars). 2 submissions from 2 submitters: Uncertain significance (2). Last evaluated 2025-03-26.

Conditions:
Dyskeratosis congenita, autosomal recessive 6 (DKCB6). Identifiers: MedGen C4225356, MONDO:0014600, OMIM 616353.
Pulmonary fibrosis and/or bone marrow failure, Telomere-related, 4. Also called: PULMONARY FIBROSIS AND/OR BONE MARROW FAILURE SYNDROME, TELOMERE-RELATED, 4. Identifiers: Orphanet 2032, MedGen C4225347, MONDO:0014612, OMIM 616371.
Inborn genetic diseases. Identifiers: MedGen C0950123, MeSH D030342.

Allele frequency attached by ClinVar (database versions not stated): gnomAD exomes below 0.00001; TOPMed below 0.00001.
gnomAD v4.1: 2 of 1,613,314 alleles (0.00012%); highest among the groups gnomAD compares: Non-Finnish European, 0.00017%; no homozygotes.

Submissions (2):

Ambry Genetics
Classification: Uncertain significance for Inborn genetic diseases. Last evaluated: 2025-03-26. Review status: criteria provided, single submitter. Criteria: Ambry Variant Classification Scheme 2023. Collection method: clinical testing. Allele origin: germline.

Labcorp Genetics (formerly Invitae), Labcorp
Classification: Uncertain significance for Dyskeratosis congenita, autosomal recessive 6; Pulmonary fibrosis and/or bone marrow failure, Telomere-related, 4. Last evaluated: 2020-11-26. Review status: criteria provided, single submitter. Criteria: Invitae Variant Classification Sherloc (09022015). Collection method: clinical testing. Allele origin: germline.
Comment: This variant has not been reported in the literature in individuals with PARN-related conditions. This variant is not present in population databases (ExAC no frequency). This sequence change replaces glycine with glutamic acid at codon 584 of the PARN protein (p.Gly584Glu). The glycine residue is weakly conserved and there is a moderate physicochemical difference between glycine and glutamic acid. In summary, the available evidence is currently insufficient to determine the role of this variant in disease. Therefore, it has been classified as a Variant of Uncertain Significance. Algorithms developed to predict the effect of missense changes on protein structure and function output the following: SIFT: "Tolerated"; PolyPhen-2: "Benign"; Align-GVGD: "Class C0". The glutamic acid amino acid residue is found in multiple mammalian species, suggesting that this missense change does not adversely affect protein function. These predictions have not been confirmed by published functional studies and their clinical significance is uncertain.

NM_002582.4(PARN):c.1751G>A (p.Gly584Glu)

Gene: PARN (poly(A)-specific ribonuclease; minus strand). Cytogenetic location: 16p13.12.
Variant type: single nucleotide variant.
Coding change: c.1751G>A on transcript NM_002582.4 (MANE Select); coding-DNA position 1751, G replaced by A.
Protein change: p.Gly584Glu; replaces glycine 584 with glutamic acid.
Molecular consequence: missense variant.
Genome position (GRCh38, 1-based): chr16:14,447,001, C>T on the plus strand (G>A on the coding strand, the complement: PARN is on the minus strand). VCF-style: chr16-14447001-C-T. GRCh37 (hg19) VCF-style: chr16-14540858-C-T.
Other names: c.1568G>A, p.Gly523Glu (NM_001134477.3); c.1613G>A, p.Gly538Glu (NM_001242992.2); c.1751G>A (NM_002582.3); short protein forms G538E, G523E, G584E.
Identifiers: ClinVar variation 1461745 (VCV001461745.9), dbSNP rs1961230542, ClinGen allele CA395184453.
Genomic context (GRCh38, chr16:14,447,001, plus strand): 5'-CCCTCTGAGAGGGGCTCTGCACAGGAATCGGTCTGCTCAAGCTCAGTGTCGGAAATCTCC[C>T]CTGACACTCCGTCCTCCAGGCCAGCTTCCTCTTGACTAGGACTCAAATTTCTCTTTCCTA-3'
Protein context (NP_002573.1, residues 574-594): EEAGLEDGVS[Gly584Glu]EISDTELEQT